The following is an entry in ClinVar:

NM_000077.5(CDKN2A):c.54G>A (p.Thr18=)

Gene: CDKN2A (cyclin dependent kinase inhibitor 2A; minus strand). Cytogenetic location: 9p21.3.
Variant type: single nucleotide variant.
Coding change: c.54G>A on transcript NM_000077.5; coding-DNA position 54, G replaced by A.
Protein change: p.Thr18=; no amino-acid change (threonine 18 retained).
Molecular consequence: synonymous variant (on NM_000077.6). On other transcripts: intron variant (2).
Genome position (GRCh38, 1-based): chr9:21,974,774, C>T on the plus strand (G>A on the coding strand, the complement: CDKN2A is on the minus strand). VCF-style: chr9-21974774-C-T. GRCh37 (hg19) VCF-style: chr9-21974773-C-T.
Other names: c.54G>A, p.Thr18= (NM_000077.6, NM_001195132.2, NM_058197.5); c.-3-3566G>A (NM_001363763.2); c.194-3566G>A (NM_058195.4).
Identifiers: ClinVar variation 1376569 (VCV001376569.11), dbSNP rs765702324, ClinGen allele CA5012328.

ClinVar aggregate classification (germline): Benign/Likely benign. Review status: criteria provided, multiple submitters, no conflicts (2 of 4 stars). 3 submissions from 3 submitters: Benign (1); Likely benign (2). Last evaluated 2025-12-15.

Conditions:
Familial melanoma. Also called: Hereditary melanoma; Hereditary cutaneous melanoma. Identifiers: Orphanet 618, MedGen C1512419, MONDO:0018961.
Hereditary cancer-predisposing syndrome. Also called: Hereditary neoplastic syndrome; Hereditary Cancer Syndrome; Tumor predisposition; Neoplastic Syndromes, Hereditary. Identifiers: Orphanet 140162, MedGen C0027672, MeSH D009386, MONDO:0015356.
Melanoma-pancreatic cancer syndrome. Identifiers: Orphanet 404560, MedGen C1838547, MONDO:0011713, OMIM 606719. Disease mechanism: loss of function.

Allele frequency attached by ClinVar (database versions not stated): gnomAD exomes below 0.00001; ExAC 0.00001; gnomAD 0.00001; TOPMed 0.00001.
gnomAD v4.1: 7 of 1,606,254 alleles (0.00044%); highest among the groups gnomAD compares: African/African-American, 0.0013%; no homozygotes.

Submissions (3):

Labcorp Genetics (formerly Invitae), Labcorp
Classification: Likely benign for Familial melanoma. Last evaluated: 2025-12-15. Review status: criteria provided, single submitter. Criteria: Invitae Variant Classification Sherloc (09022015). Collection method: clinical testing. Allele origin: germline.

Myriad Genetics, Inc.
Classification: Benign for Melanoma-pancreatic cancer syndrome. Last evaluated: 2025-08-13. Review status: criteria provided, single submitter. Criteria: Myriad Autosomal Dominant, Autosomal Recessive and X-Linked Classification Criteria (2023). Collection method: clinical testing. Allele origin: unknown.
Comment: This variant is considered benign. This variant is a silent/synonymous amino acid change and it is not expected to impact splicing.

Ambry Genetics
Classification: Likely benign for Hereditary cancer-predisposing syndrome. Last evaluated: 2020-09-08. Review status: criteria provided, single submitter. Criteria: Ambry Variant Classification Scheme 2023. Collection method: clinical testing. Allele origin: germline.